The following is an entry in ClinVar:

ClinVar aggregate classification (germline): Uncertain significance (1 of 4 stars; one submission).

Submission:

Labcorp Genetics (formerly Invitae), Labcorp
Classification: Uncertain significance. Last evaluated: 2024-04-10. Review status: criteria provided, single submitter. Criteria: Invitae Variant Classification Sherloc (09022015). Collection method: clinical testing. Allele origin: germline.
Comment: This sequence change replaces phenylalanine, which is neutral and non-polar, with leucine, which is neutral and non-polar, at codon 1000 of the AHDC1 protein (p.Phe1000Leu). This variant is not present in population databases (gnomAD no frequency). This variant has not been reported in the literature in individuals affected with AHDC1-related conditions. An algorithm developed to predict the effect of missense changes on protein structure and function (PolyPhen-2) suggests that this variant is likely to be tolerated. In summary, the available evidence is currently insufficient to determine the role of this variant in disease. Therefore, it has been classified as a Variant of Uncertain Significance.

NM_001371928.1(AHDC1):c.3000C>A (p.Phe1000Leu)

Gene: AHDC1 (AT-hook DNA binding motif containing 1; minus strand). Cytogenetic location: 1p36.11.
Variant type: single nucleotide variant.
Coding change: c.3000C>A on transcript NM_001371928.1 (MANE Select); coding-DNA position 3000, C replaced by A.
Protein change: p.Phe1000Leu; replaces phenylalanine 1000 with leucine.
Molecular consequence: missense variant.
Genome position (GRCh38, 1-based): chr1:27,549,116, G>T on the plus strand (C>A on the coding strand, the complement: AHDC1 is on the minus strand). VCF-style: chr1-27549116-G-T. GRCh37 (hg19) VCF-style: chr1-27875627-G-T.
Other names: c.3000C>A, p.Phe1000Leu (NM_001029882.3); short protein forms F1000L.
Identifiers: ClinVar variation 3649453 (VCV003649453.2).